The following is an entry in ClinVar:

ClinVar aggregate classification (germline): Pathogenic. Review status: criteria provided, multiple submitters, no conflicts (2 of 4 stars). 2 submissions from 2 submitters: Pathogenic (2). Last evaluated 2025-03-04.

Conditions:
DICER1-related tumor predisposition. Also called: DICER1-related pleuropulmonary blastoma cancer predisposition syndrome; DICER1 syndrome. Identifiers: Orphanet 284343, MedGen C3839822, MONDO:0100216.

Submissions (2):

Center for Genomic Medicine, Rigshospitalet, Copenhagen University Hospital
Classification: Pathogenic. Last evaluated: 2025-03-04. Review status: criteria provided, single submitter. Criteria: ACMG Guidelines, 2015. Collection method: clinical testing. Allele origin: germline.

Labcorp Genetics (formerly Invitae), Labcorp
Classification: Pathogenic for DICER1-related tumor predisposition. Last evaluated: 2017-07-21. Review status: criteria provided, single submitter. Criteria: Invitae Variant Classification Sherloc (09022015). Collection method: clinical testing. Allele origin: germline.
Comment: This sequence change creates a premature translational stop signal (p.Gln301*) in the DICER1 gene. It is expected to result in an absent or disrupted protein product. This variant is not present in population databases (ExAC no frequency). This variant has not been reported in the literature in individuals with DICER1-related disease. Loss-of-function variants in DICER1 are known to be pathogenic (PMID: 19556464, 21266384). For these reasons, this variant has been classified as Pathogenic.

Literature cited by the submitters: PubMed 34380971 (cited by Center for Genomic Medicine, Rigshospitalet, Copenhagen University Hospital).

NM_177438.3(DICER1):c.901C>T (p.Gln301Ter)

Gene: DICER1 (dicer 1, ribonuclease III; minus strand). Cytogenetic location: 14q32.13.
Variant type: single nucleotide variant.
Coding change: c.901C>T on transcript NM_177438.3 (MANE Select); coding-DNA position 901, C replaced by T.
Protein change: p.Gln301Ter; replaces glutamine 301 with a stop codon.
Molecular consequence: nonsense.
Genome position (GRCh38, 1-based): chr14:95,126,582, G>A on the plus strand (C>T on the coding strand, the complement: DICER1 is on the minus strand). VCF-style: chr14-95126582-G-A. GRCh37 (hg19) VCF-style: chr14-95592919-G-A.
Other names: c.901C>T, p.Gln301Ter (NM_001195573.1, NM_001271282.3, NM_001291628.2 and 1 more transcripts); short protein forms Q301*.
Identifiers: ClinVar variation 477292 (VCV000477292.3), dbSNP rs781144010, ClinGen allele CA390887420.